The following is an entry in ClinVar:

ClinVar aggregate classification (germline): Likely benign (1 of 4 stars; one submission).

gnomAD v4.1: 2 of 1,612,934 alleles (0.00012%); highest among the groups gnomAD compares: Non-Finnish European, 0.000085%; no homozygotes.

Submission:

CeGaT Center for Human Genetics Tuebingen
Classification: Likely benign. Last evaluated: 2026-07-01. Review status: criteria provided, single submitter. Criteria: CeGaT Center For Human Genetics Tuebingen Variant Classification Criteria Version 2. Collection method: clinical testing. Allele origin: germline. Affected: yes. Observed: 1 variant allele.
Comment: SLX4: BP4, BP7

NM_032444.4(SLX4):c.4869G>C (p.Ala1623=)

Gene: SLX4 (SLX4 structure-specific endonuclease subunit; minus strand). Cytogenetic location: 16p13.3.
Variant type: single nucleotide variant.
Coding change: c.4869G>C on transcript NM_032444.4 (MANE Select); coding-DNA position 4869, G replaced by C.
Protein change: p.Ala1623=; no amino-acid change (alanine 1623 retained).
Molecular consequence: synonymous variant.
Genome position (GRCh38, 1-based): chr16:3,583,381, C>G on the plus strand (G>C on the coding strand, the complement: SLX4 is on the minus strand). VCF-style: chr16-3583381-C-G. GRCh37 (hg19) VCF-style: chr16-3633382-C-G.
Identifiers: ClinVar variation 5040240 (VCV005040240.1).